The following is an entry in ClinVar:

ClinVar aggregate classification (germline): Likely benign. Review status: criteria provided, multiple submitters, no conflicts (2 of 4 stars). 2 submissions from 2 submitters: Likely benign (2). Last evaluated 2025-03-01.

Conditions:
FMN2-related disorder. Also called: FMN2-related condition.

Submissions (2):

CeGaT Center for Human Genetics Tuebingen
Classification: Likely benign. Last evaluated: 2025-03-01. Review status: criteria provided, single submitter. Criteria: CeGaT Center For Human Genetics Tuebingen Variant Classification Criteria Version 2. Collection method: clinical testing. Allele origin: germline. Affected: yes. Observed: 1 variant allele.
Comment: FMN2: BP4, BP7

PreventionGenetics, part of Exact Sciences
Classification: Likely benign for FMN2-related condition. Last evaluated: 2024-10-30. Review status: criteria provided, single submitter. Criteria: ACMG Guidelines, 2015. Collection method: clinical testing. Allele origin: germline.
Comment: This variant is classified as likely benign based on ACMG/AMP sequence variant interpretation guidelines (Richards et al. 2015 PMID: 25741868, with internal and published modifications).

NM_020066.5(FMN2):c.3468A>C (p.Pro1156=)

Gene: FMN2 (formin 2; plus strand). Cytogenetic location: 1q43.
Variant type: single nucleotide variant.
Coding change: c.3468A>C on transcript NM_020066.5 (MANE Select); coding-DNA position 3468, A replaced by C.
Protein change: p.Pro1156=; no amino-acid change (proline 1156 retained).
Molecular consequence: synonymous variant. On other transcripts: intron variant (1).
Genome position (GRCh38, 1-based): chr1:240,208,280, A>C. VCF-style: chr1-240208280-A-C. GRCh37 (hg19) VCF-style: chr1-240371580-A-C.
Other names: c.3480A>C, p.Pro1160= (NM_001305424.2); c.1986+20018A>C (NM_001348094.2); c.3468A>C (NM_020066.4).
Identifiers: ClinVar variation 3777916 (VCV003777916.8).
Genomic context (GRCh38, chr1:240,208,280, plus strand): 5'-CGGAGCGGGCATACCTCCTCCACCCCCTCTACCCAGAGTGGGCATACCCCCTCCGCCCCC[A>C]CTTCCCGGAGCGGGCATACCCCCACCTCCCCCTCTACCCGGAGCGGGCATACCCCCTCCG-3'
Protein context (NP_064450.3, residues 1146-1166): LPRVGIPPPP[Pro1156=]LPGAGIPPPP